The following is an entry in ClinVar:

ClinVar aggregate classification (germline): Pathogenic (1 of 4 stars; one submission).

Submission:

GeneDx
Classification: Pathogenic. Last evaluated: 2023-02-07. Review status: criteria provided, single submitter. Criteria: GeneDx Variant Classification Process June 2021. Collection method: clinical testing. Allele origin: germline. Affected: yes.
Comment: Variant reported de novo in a patient with a neurodevelopmental disorder who also carried a likely pathogenic variant in the DEAF1 gene in the published literature (Chen et al., 2017); In silico analysis supports that this missense variant has a deleterious effect on protein structure/function; Not observed at significant frequency in large population cohorts (gnomAD); This variant is associated with the following publications: (PMID: 26100331, 25609763, 25512093, 28940898)

NM_001376.5(DYNC1H1):c.6272G>A (p.Arg2091Gln)

Gene: DYNC1H1 (dynein cytoplasmic 1 heavy chain 1; plus strand). Cytogenetic location: 14q32.31.
Variant type: single nucleotide variant.
Coding change: c.6272G>A on transcript NM_001376.5 (MANE Select); coding-DNA position 6272, G replaced by A.
Protein change: p.Arg2091Gln; replaces arginine 2091 with glutamine.
Molecular consequence: missense variant.
Genome position (GRCh38, 1-based): chr14:102,010,326, G>A. VCF-style: chr14-102010326-G-A. GRCh37 (hg19) VCF-style: chr14-102476663-G-A.
Other names: short protein forms R2091Q.
Identifiers: ClinVar variation 2429633 (VCV002429633.1), dbSNP rs1387399556, ClinGen allele CA391054216.